The following is an entry in ClinVar:

ClinVar aggregate classification (germline): Uncertain significance (1 of 4 stars; one submission).

Conditions:
Hereditary cancer-predisposing syndrome. Also called: Neoplastic Syndromes, Hereditary; Tumor predisposition; Hereditary Cancer Syndrome; Hereditary neoplastic syndrome. Identifiers: Orphanet 140162, MedGen C0027672, MeSH D009386, MONDO:0015356.

Submission:

Ambry Genetics
Classification: Uncertain significance for Hereditary cancer-predisposing syndrome. Last evaluated: 2022-09-05. Review status: criteria provided, single submitter. Criteria: Ambry Variant Classification Scheme 2023. Collection method: clinical testing. Allele origin: germline.
Comment: The p.F26I variant (also known as c.76T>A), located in coding exon 1 of the SUFU gene, results from a T to A substitution at nucleotide position 76. The phenylalanine at codon 26 is replaced by isoleucine, an amino acid with highly similar properties. This amino acid position is conserved. In addition, the in silico prediction for this alteration is inconclusive. Since supporting evidence is limited at this time, the clinical significance of this alteration remains unclear.

NM_016169.4(SUFU):c.76T>A (p.Phe26Ile)

Genes: SUFU (SUFU negative regulator of hedgehog signaling; plus strand), LOC130004614 (ATAC-STARR-seq lymphoblastoid silent region 2764; plus strand). Cytogenetic location: 10q24.32.
Variant type: single nucleotide variant.
Coding change: c.76T>A on transcript NM_016169.4 (MANE Select); coding-DNA position 76, T replaced by A.
Protein change: p.Phe26Ile; replaces phenylalanine 26 with isoleucine.
Molecular consequence: missense variant.
Genome position (GRCh38, 1-based): chr10:102,504,228, T>A. VCF-style: chr10-102504228-T-A. GRCh37 (hg19) VCF-style: chr10-104263985-T-A.
Other names: c.76T>A, p.Phe26Ile (NM_001178133.2); short protein forms F26I.
Identifiers: ClinVar variation 1760218 (VCV001760218.2), dbSNP rs1589970016, ClinGen allele CA377886361.